The following is an entry in ClinVar:

ClinVar aggregate classification (germline): Uncertain significance (1 of 4 stars; one submission).

Submission:

Women's Health and Genetics/Laboratory Corporation of America, LabCorp
Classification: Uncertain significance. Last evaluated: 2025-12-04. Review status: criteria provided, single submitter. Criteria: LabCorp Variant Classification Summary - May 2015. Collection method: clinical testing. Allele origin: germline.
Comment: Variant summary: CACNA1A c.6658_6659insCCC (p.His2219_His2220insPro) results in an in-frame insertion that is predicted to insert one amino acid into the encoded protein. The variant was absent in 95582 control chromosomes (gnomAD). The available data on variant occurrences in the general population are insufficient to allow any conclusion about variant significance. To our knowledge, no occurrence of c.6658_6659insCCC in individuals affected with CACNA1A-related conditions and no experimental evidence demonstrating its impact on protein function have been reported. No submitters have cited clinical-significance assessments for this variant to ClinVar. Based on the evidence outlined above, the variant was classified as uncertain significance.

NM_001127222.2(CACNA1A):c.6655_6656insCCC (p.His2218_His2219insPro)

Gene: CACNA1A (calcium voltage-gated channel subunit alpha1 A; minus strand). Cytogenetic location: 19p13.13.
Variant type: Insertion.
Coding change: c.6655_6656insCCC on transcript NM_001127222.2 (MANE Select); coding-DNA positions 6655 to 6656, CCC inserted.
Protein change: p.His2218_His2219insPro.
Molecular consequence: inframe insertion.
Genome position: GRCh38 VCF-style: chr19-13208880-T-TGGG. GRCh37 (hg19) VCF-style: chr19-13319694-T-TGGG.
Other names: c.6673_6674insCCC, p.His2224_His2225insPro (NM_000068.4, NM_023035.3); c.6658_6659insCCC, p.His2219_His2220insPro (NM_001127221.2); c.6664_6665insCCC, p.His2221_His2222insPro (NM_001174080.2).
Identifiers: ClinVar variation 4688586 (VCV004688586.1).